The following is an entry in ClinVar:

ClinVar aggregate classification (germline): Pathogenic (1 of 4 stars; one submission).

Conditions:
Neuronal ceroid lipofuscinosis. Also called: Neuronal Ceroid Lipofuscinoses. Identifiers: Orphanet 216, Orphanet 79263, MedGen C0027877, MONDO:0016295. Disease mechanism: loss of function.

Submission:

Labcorp Genetics (formerly Invitae), Labcorp
Classification: Pathogenic for Neuronal ceroid lipofuscinosis. Last evaluated: 2023-10-22. Review status: criteria provided, single submitter. Criteria: Invitae Variant Classification Sherloc (09022015). Collection method: clinical testing. Allele origin: germline.
Comment: This sequence change creates a premature translational stop signal (p.Trp263*) in the CLN8 gene. While this is not anticipated to result in nonsense mediated decay, it is expected to disrupt the last 24 amino acid(s) of the CLN8 protein. This variant is not present in population databases (gnomAD no frequency). This variant has not been reported in the literature in individuals affected with CLN8-related conditions. ClinVar contains an entry for this variant (Variation ID: 241289). This variant disrupts a region of the CLN8 protein in which other variant(s) (p.Trp263Cys) have been determined to be pathogenic (PMID: 15024724). This suggests that this is a clinically significant region of the protein, and that variants that disrupt it are likely to be disease-causing. For these reasons, this variant has been classified as Pathogenic.

Literature cited by the submitters: PubMed 15024724.

NM_018941.4(CLN8):c.788G>A (p.Trp263Ter)

Gene: CLN8 (CLN8 transmembrane ER and ERGIC protein; plus strand). Cytogenetic location: 8p23.3.
Variant type: single nucleotide variant.
Coding change: c.788G>A on transcript NM_018941.4 (MANE Select); coding-DNA position 788, G replaced by A.
Protein change: p.Trp263Ter; replaces tryptophan 263 with a stop codon.
Molecular consequence: nonsense.
Genome position (GRCh38, 1-based): chr8:1,780,494, G>A. VCF-style: chr8-1780494-G-A. GRCh37 (hg19) VCF-style: chr8-1728660-G-A.
Other names: short protein forms W263*.
Identifiers: ClinVar variation 241289 (VCV000241289.7), dbSNP rs878855053, ClinGen allele CA10582576.